The following is an entry in ClinVar:

ClinVar aggregate classification (germline): Uncertain significance. Review status: criteria provided, multiple submitters, no conflicts (2 of 4 stars). 2 submissions from 2 submitters: Uncertain significance (2). Last evaluated 2025-06-12.

Allele frequency attached by ClinVar (database versions not stated): gnomAD exomes below 0.00001 and 0.00002; ExAC 0.00002; gnomAD 0.00009 and 0.00010; TOPMed 0.00009.
gnomAD v4.1: 15 of 1,205,293 alleles (0.0012%); highest among the groups gnomAD compares: African/African-American, 0.026%; no homozygotes.

Submissions (2):

Labcorp Genetics (formerly Invitae), Labcorp
Classification: Uncertain significance. Last evaluated: 2025-06-12. Review status: criteria provided, single submitter. Criteria: Invitae Variant Classification Sherloc (09022015). Collection method: clinical testing. Allele origin: germline.
Comment: This sequence change replaces threonine, which is neutral and polar, with alanine, which is neutral and non-polar, at codon 245 of the COL4A6 protein (p.Thr245Ala). This variant is present in population databases (rs760560975, gnomAD 0.02%). This variant has not been reported in the literature in individuals affected with COL4A6-related conditions. ClinVar contains an entry for this variant (Variation ID: 1346093). Experimental studies and prediction algorithms are not available or were not evaluated, and the functional significance of this variant is currently unknown. In summary, the available evidence is currently insufficient to determine the role of this variant in disease. Therefore, it has been classified as a Variant of Uncertain Significance.

Ambry Genetics
Classification: Uncertain significance. Last evaluated: 2024-11-19. Review status: criteria provided, single submitter. Criteria: Ambry Variant Classification Scheme 2023. Collection method: clinical testing. Allele origin: germline.

NM_033641.4(COL4A6):c.730A>G (p.Thr244Ala)

Gene: COL4A6 (collagen type IV alpha 6 chain; minus strand). Cytogenetic location: Xq22.3.
Variant type: single nucleotide variant.
Coding change: c.730A>G on transcript NM_033641.4 (MANE Select); coding-DNA position 730, A replaced by G.
Protein change: p.Thr244Ala; replaces threonine 244 with alanine.
Molecular consequence: missense variant.
Genome position (GRCh38, 1-based): chrX:108,204,370, T>C on the plus strand (A>G on the coding strand, the complement: COL4A6 is on the minus strand). VCF-style: chrX-108204370-T-C. GRCh37 (hg19) VCF-style: chrX-107447600-T-C.
Other names: c.730A>G, p.Thr244Ala (NM_001287758.2, NM_001287759.2, NM_001287760.2); c.733A>G, p.Thr245Ala (NM_001847.4); c.733A>G (NM_001847.2); short protein forms T244A, T245A.
Identifiers: ClinVar variation 1346093 (VCV001346093.9), dbSNP rs760560975, ClinGen allele CA10488020.